The following is an entry in ClinVar:

NM_004006.3(DMD):c.2905G>A (p.Val969Ile)

Gene: DMD (dystrophin; minus strand). Cytogenetic location: Xp21.1.
Variant type: single nucleotide variant.
Coding change: c.2905G>A on transcript NM_004006.3 (MANE Select); coding-DNA position 2905, G replaced by A.
Protein change: p.Val969Ile; replaces valine 969 with isoleucine.
Molecular consequence: missense variant.
Genome position (GRCh38, 1-based): chrX:32,472,208, C>T on the plus strand (G>A on the coding strand, the complement: DMD is on the minus strand). VCF-style: chrX-32472208-C-T. GRCh37 (hg19) VCF-style: chrX-32490325-C-T.
Other names: c.2881G>A, p.Val961Ile (NM_000109.4); c.2893G>A, p.Val965Ile (NM_004009.3); c.2536G>A, p.Val846Ile (NM_004010.3); short protein forms V846I, V961I, V965I, V969I.
Identifiers: ClinVar variation 1098804 (VCV001098804.2), dbSNP rs750582245, ClinGen allele CA10379413.
Genomic context (GRCh38, chrX:32,472,208, plus strand): 5'-TCAAATATTCACAGACCTGCAATTCCCCGAGTCTCTGCTCCATGATTTCATAGTCGGTGA[C>T]ACTAAGTTGAGGTATGGAGAGTTTGGTTTCTGACTGCTGGACCCATGTCCTGATGGCACT-3'
Protein context (NP_003997.2, residues 959-979): ETKLSIPQLS[Val969Ile]TDYEIMEQRL

ClinVar aggregate classification (germline): Uncertain significance. Review status: criteria provided, single submitter (1 of 4 stars). 2 submissions from 2 submitters: Uncertain significance (1). 1 of the submissions does not count toward it. Last evaluated 2021-04-18.

Conditions:
Dystrophin deficiency.
Becker muscular dystrophy (BMD). Also called: MUSCULAR DYSTROPHY, PSEUDOHYPERTROPHIC PROGRESSIVE, BECKER TYPE; Becker Muscular Dystrophy (BMD). Identifiers: Orphanet 98895, MedGen C0917713, MONDO:0010311, OMIM 300376.
Duchenne muscular dystrophy (DMD). Also called: Duchenne Muscular Dystrophy (DMD); MUSCULAR DYSTROPHY, PSEUDOHYPERTROPHIC PROGRESSIVE, DUCHENNE TYPE. Identifiers: Orphanet 98896, MedGen C0013264, MONDO:0010679, OMIM 310200.
Cardiomyopathy (CMYO). Also called: Cardiomyopathies. Identifiers: Orphanet 167848, MedGen C0878544, MONDO:0004994, HP:0001638. Inheritance: Various modes of inheritance.

Allele frequency attached by ClinVar (database versions not stated): gnomAD exomes below 0.00001 and 0.00001; ExAC 0.00001.

Submissions (2):

Women's Health and Genetics/Laboratory Corporation of America, LabCorp
Classification: Uncertain significance. Last evaluated: 2021-04-18. Review status: criteria provided, single submitter. Criteria: LabCorp Variant Classification Summary - May 2015. Collection method: clinical testing. Allele origin: germline.
Comment: Variant summary: DMD c.2905G>A (p.Val969Ile) results in a conservative amino acid change in the encoded protein sequence. Four of five in-silico tools predict a benign effect of the variant on protein function. The variant allele was found at a frequency of 5.5e-06 in 183189 control chromosomes. The available data on variant occurrences in the general population are insufficient to allow any conclusion about variant significance. To our knowledge, no occurrence of c.2905G>A in individuals affected with Dystrophinopathies and no experimental evidence demonstrating its impact on protein function have been reported. No clinical diagnostic laboratories have submitted clinical-significance assessments for this variant to ClinVar after 2014. Based on the evidence outlined above, the variant was classified as uncertain significance.

Natera, Inc.
Classification: Uncertain significance for Becker muscular dystrophy; Cardiomyopathy; Duchenne muscular dystrophy; Dystrophin deficiency. Last evaluated: 2020-02-26. Review status: no assertion criteria provided. Collection method: clinical testing. Allele origin: germline. Not counted in ClinVar's aggregate classification.